The following is an entry in ClinVar:

ClinVar aggregate classification (germline): Benign/Likely benign. Review status: criteria provided, multiple submitters, no conflicts (2 of 4 stars). 4 submissions from 4 submitters: Benign (1); Likely benign (2). 1 of the submissions does not count toward it. Last evaluated 2025-11-26.

Conditions:
GABRD-related disorder. Also called: GABRD-related condition.
Idiopathic generalized epilepsy. Also called: Generalised epilepsy; EIG. Identifiers: MedGen C0270850, MONDO:0005579, OMIM 600669.

Allele frequency attached by ClinVar (database versions not stated): 1000 Genomes Project 30x 0.00031; 1000 Genomes Project 0.00040; TOPMed 0.00070; gnomAD 0.00080 and 0.00082; gnomAD exomes 0.00093; ExAC 0.00099; ESP Exome Variant Server 0.00108.

Submissions (4):

Labcorp Genetics (formerly Invitae), Labcorp
Classification: Likely benign for Idiopathic generalized epilepsy. Last evaluated: 2025-11-26. Review status: criteria provided, single submitter. Criteria: Invitae Variant Classification Sherloc (09022015). Collection method: clinical testing. Allele origin: germline.

ARUP Laboratories, Molecular Genetics and Genomics, ARUP Laboratories
Classification: Benign. Last evaluated: 2024-03-25. Review status: criteria provided, single submitter. Criteria: ARUP Molecular Germline Variant Investigation Process 2024. Collection method: clinical testing. Allele origin: germline.

Athena Diagnostics
Classification: Likely benign. Last evaluated: 2019-01-09. Review status: criteria provided, single submitter. Criteria: Athena Diagnostics Criteria. Collection method: clinical testing. Allele origin: germline.

PreventionGenetics, part of Exact Sciences
Classification: Benign for GABRD-related condition. Last evaluated: 2024-05-28. Review status: no assertion criteria provided. Collection method: clinical testing. Allele origin: germline. Not counted in ClinVar's aggregate classification.
Comment: This variant is classified as benign based on ACMG/AMP sequence variant interpretation guidelines (Richards et al. 2015 PMID: 25741868, with internal and published modifications).

Literature cited by the submitters: PubMed 15115768 (cited by Athena Diagnostics); PubMed 24249596 (cited by Athena Diagnostics); PubMed 20352446 (cited by Athena Diagnostics).

NM_000815.5(GABRD):c.658C>T (p.Arg220Cys)

Gene: GABRD (gamma-aminobutyric acid type A receptor subunit delta; plus strand). Cytogenetic location: 1p36.33.
Variant type: single nucleotide variant.
Coding change: c.658C>T on transcript NM_000815.5 (MANE Select); coding-DNA position 658, C replaced by T.
Protein change: p.Arg220Cys; replaces arginine 220 with cysteine.
Molecular consequence: missense variant.
Genome position (GRCh38, 1-based): chr1:2,028,259, C>T. VCF-style: chr1-2028259-C-T. GRCh37 (hg19) VCF-style: chr1-1959698-C-T.
Other names: short protein forms R220C.
Identifiers: ClinVar variation 529547 (VCV000529547.16), dbSNP rs139300921, ClinGen allele CA534734.